The following is an entry in ClinVar:

ClinVar aggregate classification (germline): Uncertain significance (1 of 4 stars; one submission).

Conditions:
Hereditary cancer-predisposing syndrome. Also called: Neoplastic Syndromes, Hereditary; Tumor predisposition; Hereditary Cancer Syndrome; Hereditary neoplastic syndrome. Identifiers: Orphanet 140162, MedGen C0027672, MeSH D009386, MONDO:0015356.

Submission:

Ambry Genetics
Classification: Uncertain significance for Hereditary cancer-predisposing syndrome. Last evaluated: 2022-04-08. Review status: criteria provided, single submitter. Criteria: Ambry Variant Classification Scheme 2023. Collection method: clinical testing. Allele origin: germline.
Comment: The p.F617L variant (also known as c.1849T>C), located in coding exon 17 of the TSC2 gene, results from a T to C substitution at nucleotide position 1849. The phenylalanine at codon 617 is replaced by leucine, an amino acid with highly similar properties. This amino acid position is conserved. In addition, this alteration is predicted to be deleterious by in silico analysis. Since supporting evidence is limited at this time, the clinical significance of this alteration remains unclear.

NM_000548.5(TSC2):c.1849T>C (p.Phe617Leu)

Gene: TSC2 (TSC complex subunit 2; plus strand). Cytogenetic location: 16p13.3.
Variant type: single nucleotide variant.
Coding change: c.1849T>C on transcript NM_000548.5 (MANE Select); coding-DNA position 1849, T replaced by C.
Protein change: p.Phe617Leu; replaces phenylalanine 617 with leucine.
Molecular consequence: missense variant.
Genome position (GRCh38, 1-based): chr16:2,071,519, T>C. VCF-style: chr16-2071519-T-C. GRCh37 (hg19) VCF-style: chr16-2121520-T-C.
Other names: c.1849T>C, p.Phe617Leu (NM_001077183.3, NM_001114382.3, NM_001363528.2 and 6 more transcripts); c.1738T>C, p.Phe580Leu (NM_001318827.2, NM_001406670.1, NM_001406678.1); c.1702T>C, p.Phe568Leu (NM_001318829.2, NM_001406675.1, NM_001406676.1 and 1 more transcripts); c.1249T>C, p.Phe417Leu (NM_001318831.2, NM_001406680.1, NM_001406682.1 and 6 more transcripts); c.1882T>C, p.Phe628Leu (NM_001318832.2); c.1939T>C, p.Phe647Leu (NM_001406667.1, NM_001406668.1); c.1837T>C, p.Phe613Leu (NM_001406671.1, NM_001406673.1); c.1792T>C, p.Phe598Leu (NM_001406677.1); and 3 more; short protein forms F568L, F417L, F647L, F169L, F598L, F628L, F463L, F580L.
Identifiers: ClinVar variation 1781294 (VCV001781294.2), dbSNP rs2543672891, ClinGen allele CA394273047.